The following is an entry in ClinVar:

NM_000135.4(FANCA):c.575G>A (p.Ser192Asn)

Gene: FANCA (FA complementation group A; minus strand). Cytogenetic location: 16q24.3.
Variant type: single nucleotide variant.
Coding change: c.575G>A on transcript NM_000135.4 (MANE Select); coding-DNA position 575, G replaced by A.
Protein change: p.Ser192Asn; replaces serine 192 with asparagine.
Molecular consequence: missense variant.
Genome position (GRCh38, 1-based): chr16:89,808,315, C>T on the plus strand (G>A on the coding strand, the complement: FANCA is on the minus strand). VCF-style: chr16-89808315-C-T. GRCh37 (hg19) VCF-style: chr16-89874723-C-T.
Other names: c.575G>A, p.Ser192Asn (NM_001018112.3, NM_001286167.3); c.479G>A, p.Ser160Asn (NM_001351830.2); short protein forms S160N, S192N.
Identifiers: ClinVar variation 3848104 (VCV003848104.1).

ClinVar aggregate classification (germline): Uncertain significance (1 of 4 stars; one submission).

Conditions:
Inborn genetic diseases. Identifiers: MedGen C0950123, MeSH D030342.

Submission:

Ambry Genetics
Classification: Uncertain significance for Inborn genetic diseases. Last evaluated: 2025-01-10. Review status: criteria provided, single submitter. Criteria: Ambry Variant Classification Scheme 2023. Collection method: clinical testing. Allele origin: germline.
Comment: The p.S192N variant (also known as c.575G>A), located in coding exon 6 of the FANCA gene, results from a G to A substitution at nucleotide position 575. The serine at codon 192 is replaced by asparagine, an amino acid with highly similar properties. This amino acid position is conserved. In addition, this alteration is predicted to be tolerated by in silico analysis. Based on the available evidence, the clinical significance of this variant remains unclear.